The following is an entry in ClinVar:

NM_000138.5(FBN1):c.3920G>A (p.Cys1307Tyr)

Gene: FBN1 (fibrillin 1; minus strand). Cytogenetic location: 15q21.1.
Variant type: single nucleotide variant.
Coding change: c.3920G>A on transcript NM_000138.5 (MANE Select); coding-DNA position 3920, G replaced by A.
Protein change: p.Cys1307Tyr; replaces cysteine 1307 with tyrosine.
Molecular consequence: missense variant.
Genome position (GRCh38, 1-based): chr15:48,481,699, C>T on the plus strand (G>A on the coding strand, the complement: FBN1 is on the minus strand). VCF-style: chr15-48481699-C-T. GRCh37 (hg19) VCF-style: chr15-48773896-C-T.
Other names: c.3920G>A, p.Cys1307Tyr (NM_001406716.1); short protein forms C1307Y.
Identifiers: ClinVar variation 2137696 (VCV002137696.5), dbSNP rs2505533433, ClinGen allele CA392322287.

ClinVar aggregate classification (germline): Pathogenic/Likely pathogenic. Review status: criteria provided, multiple submitters, no conflicts (2 of 4 stars). 2 submissions from 2 submitters: Pathogenic (1); Likely pathogenic (1). Last evaluated 2024-10-21.

Conditions:
Familial thoracic aortic aneurysm and aortic dissection (TAAD). Also called: Thoracic aortic aneurysms and dissections. Identifiers: Orphanet 91387, MedGen C4707243, MONDO:0019625.
Marfan syndrome (MFS). Also called: MARFAN SYNDROME, TYPE I; Marfan syndrome type 1; Marfan's syndrome; Marfan syndrome, classic; FBN1-Related Marfan Syndrome. Identifiers: Orphanet 284963, Orphanet 558, MedGen C0024796, MONDO:0007947, OMIM 154700.

Submissions (2):

Labcorp Genetics (formerly Invitae), Labcorp
Classification: Pathogenic for Marfan syndrome; Familial thoracic aortic aneurysm and aortic dissection. Last evaluated: 2024-10-21. Review status: criteria provided, single submitter. Criteria: Invitae Variant Classification Sherloc (09022015). Collection method: clinical testing. Allele origin: germline.
Comment: This sequence change replaces cysteine, which is neutral and slightly polar, with tyrosine, which is neutral and polar, at codon 1307 of the FBN1 protein (p.Cys1307Tyr). This variant is not present in population databases (gnomAD no frequency). This missense change has been observed in individual(s) with Marfan syndrome (PMID: 17657824). ClinVar contains an entry for this variant (Variation ID: 2137696). Invitae Evidence Modeling of protein sequence and biophysical properties (such as structural, functional, and spatial information, amino acid conservation, physicochemical variation, residue mobility, and thermodynamic stability) indicates that this missense variant is expected to disrupt FBN1 protein function with a positive predictive value of 95%. This variant affects a cysteine residue in the EGF-like, TGFBP or hybrid motif domains of FBN1. Cysteine residues are believed to be involved in intramolecular disulfide bridges and have been shown to be important for FBN1 protein structure (PMID: 16905551, 19349279). In addition, missense substitutions affecting cysteine residues within these domains are significantly overrepresented among patients with Marfan syndrome (PMID: 16571647, 17701892). For these reasons, this variant has been classified as Pathogenic.

GeneDx
Classification: Likely pathogenic. Last evaluated: 2024-07-16. Review status: criteria provided, single submitter. Criteria: GeneDx Variant Classification Process June 2021. Collection method: clinical testing. Allele origin: germline. Affected: yes.
Comment: Identified in patients with Marfan syndrome in published literature (PMID: 17657824, 20729124); Not observed at significant frequency in large population cohorts (gnomAD); Affects a cysteine residue within an EGF-like domain of the FBN1 gene, which may affect disulfide bonding and is predicted to alter the structure and function of the protein; cysteine substitutions in the EGF-like domains represent the majority of pathogenic missense changes associated with FBN1-related disorders (PMID: 12938084); In silico analysis supports that this missense variant has a deleterious effect on protein structure/function; This variant is associated with the following publications: (PMID: 12938084, 20729124, 17657824)

Literature cited by the submitters: PubMed 17657824 (cited by Labcorp Genetics (formerly Invitae), Labcorp); PubMed 16905551 (cited by Labcorp Genetics (formerly Invitae), Labcorp); PubMed 19349279 (cited by Labcorp Genetics (formerly Invitae), Labcorp); PubMed 16571647 (cited by Labcorp Genetics (formerly Invitae), Labcorp); PubMed 17701892 (cited by Labcorp Genetics (formerly Invitae), Labcorp).